The following is an entry in ClinVar:

NM_033641.4(COL4A6):c.835-6A>G

Gene: COL4A6 (collagen type IV alpha 6 chain; minus strand). Cytogenetic location: Xq22.3.
Variant type: single nucleotide variant.
Coding change: c.835-6A>G on transcript NM_033641.4 (MANE Select); 6 bases into the intron before coding-DNA position 835, A replaced by G.
Molecular consequence: intron variant.
Genome position (GRCh38, 1-based): chrX:108,196,585, T>C on the plus strand (A>G on the coding strand, the complement: COL4A6 is on the minus strand). VCF-style: chrX-108196585-T-C. GRCh37 (hg19) VCF-style: chrX-107439815-T-C.
Other names: p.?; c.838-6A>G (NM_001847.4); c.835-6A>G (NM_001287760.2, NM_001287759.2, NM_001287758.2).
Identifiers: ClinVar variation 1235575 (VCV001235575.13), dbSNP rs189915873, ClinGen allele CA10487979.

ClinVar aggregate classification (germline): Benign. Review status: criteria provided, multiple submitters, no conflicts (2 of 4 stars). 4 submissions from 4 submitters: Benign (4). Last evaluated 2025-09-15.

Conditions:
Hearing loss, X-linked 6. Also called: Deafness, X-linked 6. Identifiers: Orphanet 90625, MedGen C3806737, MONDO:0010484, OMIM 300914.

Allele frequency attached by ClinVar (database versions not stated): gnomAD exomes 0.00008 and 0.00048; gnomAD 0.00013 and 0.00021; TOPMed 0.00016; ExAC 0.00056; 1000 Genomes Project 30x 0.00229; 1000 Genomes Project 0.00238.

Submissions (4):

Labcorp Genetics (formerly Invitae), Labcorp
Classification: Benign. Last evaluated: 2025-09-15. Review status: criteria provided, single submitter. Criteria: Invitae Variant Classification Sherloc (09022015). Collection method: clinical testing. Allele origin: germline.

Mayo Clinic Laboratories, Mayo Clinic
Classification: Benign. Last evaluated: 2025-03-13. Review status: criteria provided, single submitter. Criteria: ACMG Guidelines, 2015. Collection method: clinical testing. Allele origin: germline. Observed: 1 variant allele.
Comment: BA1, BP4, BP7

Genome-Nilou Lab
Classification: Benign for Hearing loss, X-linked 6. Last evaluated: 2022-03-15. Review status: criteria provided, single submitter. Criteria: ACMG Guidelines, 2015. Collection method: clinical testing. Allele origin: germline. Affected: no.

GeneDx
Classification: Benign. Last evaluated: 2019-09-16. Review status: criteria provided, single submitter. Criteria: GeneDx Variant Classification Process June 2021. Collection method: clinical testing. Allele origin: germline. Affected: yes.